The following is an entry in ClinVar:

NM_138775.3(ALKBH8):c.284G>A (p.Arg95Lys)

Gene: ALKBH8 (alkB homolog 8, tRNA methyltransferase; minus strand). Cytogenetic location: 11q22.3.
Variant type: single nucleotide variant.
Coding change: c.284G>A on transcript NM_138775.3 (MANE Select); coding-DNA position 284, G replaced by A.
Protein change: p.Arg95Lys; replaces arginine 95 with lysine.
Molecular consequence: missense variant. On other transcripts: non-coding transcript variant (6).
Genome position (GRCh38, 1-based): chr11:107,556,849, C>T on the plus strand (G>A on the coding strand, the complement: ALKBH8 is on the minus strand). VCF-style: chr11-107556849-C-T. GRCh37 (hg19) VCF-style: chr11-107427575-C-T.
Other names: c.284G>A, p.Arg95Lys (NM_001301010.3, NM_001378133.1); short protein forms R95K.
Identifiers: ClinVar variation 3777387 (VCV003777387.1).

ClinVar aggregate classification (germline): Uncertain significance (1 of 4 stars; one submission).

gnomAD v4.1: 10 of 1,594,808 alleles (0.00063%); highest among the groups gnomAD compares: African/African-American, 0.012%; no homozygotes.

Submission:

GeneDx
Classification: Uncertain significance. Last evaluated: 2024-10-09. Review status: criteria provided, single submitter. Criteria: GeneDx Variant Classification Process June 2021. Collection method: clinical testing. Allele origin: germline. Affected: yes.
Comment: In silico analysis indicates that this missense variant does not alter protein structure/function; Has not been previously published as pathogenic or benign to our knowledge